The following is an entry in ClinVar:

ClinVar aggregate classification (germline): Uncertain significance (1 of 4 stars; one submission).

Allele frequency attached by ClinVar (database versions not stated): gnomAD exomes below 0.00001; ExAC 0.00004.
gnomAD v4.1: 5 of 1,572,682 alleles (0.00032%); highest among the groups gnomAD compares: East Asian, 0.0049%; no homozygotes.

Submission:

Labcorp Genetics (formerly Invitae), Labcorp
Classification: Uncertain significance. Last evaluated: 2023-09-17. Review status: criteria provided, single submitter. Criteria: Invitae Variant Classification Sherloc (09022015). Collection method: clinical testing. Allele origin: germline.
Comment: In summary, the available evidence is currently insufficient to determine the role of this variant in disease. Therefore, it has been classified as a Variant of Uncertain Significance. An algorithm developed to predict the effect of missense changes on protein structure and function (PolyPhen-2) suggests that this variant is likely to be tolerated. This variant has not been reported in the literature in individuals affected with BICC1-related conditions. This variant is present in population databases (rs781134632, gnomAD 0.009%). This sequence change replaces alanine, which is neutral and non-polar, with glycine, which is neutral and non-polar, at codon 11 of the BICC1 protein (p.Ala11Gly).

NM_001080512.3(BICC1):c.32C>G (p.Ala11Gly)

Gene: BICC1 (BicC family RNA binding protein 1; plus strand). Cytogenetic location: 10q21.1.
Variant type: single nucleotide variant.
Coding change: c.32C>G on transcript NM_001080512.3 (MANE Select); coding-DNA position 32, C replaced by G.
Protein change: p.Ala11Gly; replaces alanine 11 with glycine.
Molecular consequence: missense variant.
Genome position (GRCh38, 1-based): chr10:58,513,175, C>G. VCF-style: chr10-58513175-C-G. GRCh37 (hg19) VCF-style: chr10-60272935-C-G.
Other names: short protein forms A11G.
Identifiers: ClinVar variation 2992958 (VCV002992958.3), dbSNP rs781134632, ClinGen allele CA5508111.
Genomic context (GRCh38, chr10:58,513,175, plus strand): 5'-AGCGGGAGCCCGAGCGCTGCGCGCCCACCATGGCCGCCCAGGGAGAGCCCGGCTACCTGG[C>G]GGCGCAGTCGGACCCCGGCTCCAACAGCGAGCGCAGCACCGACTCCCCAGTGCCCGGCTC-3'
Protein context (NP_001073981.1, residues 1-21): MAAQGEPGYL[Ala11Gly]AQSDPGSNSE